The following is an entry in ClinVar:

NM_004304.5(ALK):c.1684_1685del (p.Gly562fs)

Gene: ALK (ALK receptor tyrosine kinase; minus strand). Cytogenetic location: 2p23.2.
Variant type: Deletion.
Coding change: c.1684_1685del on transcript NM_004304.5 (MANE Select); coding-DNA positions 1684 to 1685, 2 bases deleted (GG; older notation c.1684_1685delGG).
Protein change: p.Gly562fs; shifts the reading frame from glycine 562.
Molecular consequence: frameshift variant.
Genome position (GRCh38, 1-based): chr2:29,297,020-29,297,021, CC deleted on the plus strand (GG on the coding strand, the reverse complement: ALK is on the minus strand); deleting any 2 consecutive bases within chr2:29,297,020-29,297,023 gives the same sequence; the c. name uses the placement nearest the transcript's 3' end. VCF-style (leftmost placement, unchanged base first): chr2-29297019-TCC-T. GRCh37 (hg19) VCF-style: chr2-29519885-TCC-T.
Other names: c.1684_1685delGG (NM_004304.4); short protein forms G562fs.
Identifiers: ClinVar variation 1482321 (VCV001482321.7), dbSNP rs1666207064, ClinGen allele CA1241124952.

ClinVar aggregate classification (germline): Conflicting classifications of pathogenicity. Review status: criteria provided, conflicting classifications (1 of 4 stars). 2 submissions from 2 submitters: Uncertain significance (1); Likely benign (1). Last evaluated 2025-10-30.

Conditions:
Neuroblastoma, susceptibility to, 3. Also called: ALK-Related Neuroblastic Tumor Susceptibility. Identifiers: Orphanet 635, MedGen C2751681, MONDO:0013083, OMIM 613014.
Hereditary cancer-predisposing syndrome. Also called: Hereditary neoplastic syndrome; Tumor predisposition; Neoplastic Syndromes, Hereditary; Hereditary Cancer Syndrome. Identifiers: Orphanet 140162, MedGen C0027672, MeSH D009386, MONDO:0015356.

Submissions (2):

Ambry Genetics
Classification: Likely benign for Hereditary cancer-predisposing syndrome. Last evaluated: 2025-10-30. Review status: criteria provided, single submitter. Criteria: Ambry Variant Classification Scheme 2023. Collection method: clinical testing. Allele origin: germline.

Labcorp Genetics (formerly Invitae), Labcorp
Classification: Uncertain significance for Neuroblastoma, susceptibility to, 3. Last evaluated: 2021-07-21. Review status: criteria provided, single submitter. Criteria: Invitae Variant Classification Sherloc (09022015). Collection method: clinical testing. Allele origin: germline.
Comment: In summary, the available evidence is currently insufficient to determine the role of this variant in disease. Therefore, it has been classified as a Variant of Uncertain Significance. This variant has not been reported in the literature in individuals affected with ALK-related conditions. This variant is not present in population databases (ExAC no frequency). This sequence change creates a premature translational stop signal (p.Gly562Lysfs*26) in the ALK gene. It is expected to result in an absent or disrupted protein product. However, the current clinical and genetic evidence is not sufficient to establish whether loss-of-function variants in ALK cause disease.